The following is an entry in ClinVar:

ClinVar aggregate classification (germline): Uncertain significance (1 of 4 stars; one submission).

Submission:

GeneDx
Classification: Uncertain significance. Last evaluated: 2024-10-17. Review status: criteria provided, single submitter. Criteria: GeneDx Variant Classification Process June 2021. Collection method: clinical testing. Allele origin: germline. Affected: yes.
Comment: Not observed at significant frequency in large population cohorts (gnomAD); In silico analysis supports that this missense variant has a deleterious effect on protein structure/function; Has not been previously published as pathogenic or benign to our knowledge

NM_181458.4(PAX3):c.623A>G (p.Asp208Gly)

Gene: PAX3 (paired box 3; minus strand). Cytogenetic location: 2q36.1.
Variant type: single nucleotide variant.
Coding change: c.623A>G on transcript NM_181458.4 (MANE Select); coding-DNA position 623, A replaced by G.
Protein change: p.Asp208Gly; replaces aspartic acid 208 with glycine.
Molecular consequence: missense variant.
Genome position (GRCh38, 1-based): chr2:222,232,247, T>C on the plus strand (A>G on the coding strand, the complement: PAX3 is on the minus strand). VCF-style: chr2-222232247-T-C. GRCh37 (hg19) VCF-style: chr2-223096966-T-C.
Other names: c.620A>G, p.Asp207Gly (NM_001127366.3); c.623A>G, p.Asp208Gly (NM_181457.4, NM_181459.4, NM_181460.4 and 1 more transcripts); short protein forms D207G, D208G.
Identifiers: ClinVar variation 3781095 (VCV003781095.1).